The following is an entry in ClinVar:

ClinVar aggregate classification (germline): Conflicting classifications of pathogenicity. Review status: criteria provided, conflicting classifications (1 of 4 stars). 5 submissions from 5 submitters: Uncertain significance (3); Likely benign (2). Last evaluated 2025-11-04.

Conditions:
Oto-palato-digital syndrome, type II (OPD2). Also called: Otopalatodigital Syndrome, Type II; FACIOPALATOOSSEOUS SYNDROME; OPD II SYNDROME; Otopalatodigital Syndrome Type 2 (FLNA-OPD2). Identifiers: Orphanet 669, Orphanet 90652, MedGen C1844696, MONDO:0010571, OMIM 304120.
Frontometaphyseal dysplasia (FMD1). Identifiers: Orphanet 1826, MedGen C0265293, MONDO:0015942.
Heterotopia, periventricular, X-linked dominant (PVNH1). Also called: PERIVENTRICULAR NODULAR HETEROTOPIA 1; X-linked periventricular heterotopia; PERIVENTRICULAR NODULAR HETEROTOPIA 4; HETEROTOPIA, PERIVENTRICULAR, 1. Identifiers: Orphanet 2149, Orphanet 82004, MedGen C1848213, MONDO:0010233, OMIM 300049.
Melnick-Needles syndrome (MNS). Also called: MELNICK-NEEDLES OSTEODYSPLASTY; OSTEODYSPLASTY OF MELNICK AND NEEDLES; Melnick-Needles Syndrome (FLNA-MNS). Identifiers: Orphanet 2484, MedGen C0025237, MONDO:0010650, OMIM 309350.
Familial thoracic aortic aneurysm and aortic dissection (TAAD). Also called: Thoracic aortic aneurysms and dissections. Identifiers: Orphanet 91387, MedGen C4707243, MONDO:0019625.

Allele frequency attached by ClinVar (database versions not stated): ExAC 0.00001; gnomAD exomes 0.00001; gnomAD 0.00002; TOPMed 0.00002.
gnomAD v4.1: 11 of 1,209,410 alleles (0.00091%); highest among the groups gnomAD compares: Non-Finnish European, 0.0012%; no homozygotes.

Submissions (5):

Labcorp Genetics (formerly Invitae), Labcorp
Classification: Likely benign for Oto-palato-digital syndrome, type II; Heterotopia, periventricular, X-linked dominant; Frontometaphyseal dysplasia; Melnick-Needles syndrome. Last evaluated: 2025-11-04. Review status: criteria provided, single submitter. Criteria: Invitae Variant Classification Sherloc (09022015). Collection method: clinical testing. Allele origin: germline.

Ambry Genetics
Classification: Likely benign for Familial thoracic aortic aneurysm and aortic dissection. Last evaluated: 2025-05-12. Review status: criteria provided, single submitter. Criteria: Ambry Variant Classification Scheme 2023. Collection method: clinical testing. Allele origin: germline.

Mayo Clinic Laboratories, Mayo Clinic
Classification: Uncertain significance. Last evaluated: 2025-02-27. Review status: criteria provided, single submitter. Criteria: ACMG Guidelines, 2015. Collection method: clinical testing. Allele origin: germline. Observed: 1 variant allele.
Comment: BP4, PP2, PM2_supporting

GeneDx
Classification: Uncertain significance. Last evaluated: 2018-06-12. Review status: criteria provided, single submitter. Criteria: GeneDx Variant Classification (06012015). Collection method: clinical testing. Allele origin: germline. Affected: yes.
Comment: p.Ala721Val (A721V) GCG>GTG: c.2162 C>T in exon 15 of the FLNA gene (NM_001456.3)A variant of unknown significance has been identified in the FLNA gene. The A721V variant has not been published as a mutation, nor has it been reported as a benign polymorphism to our knowledge. The A721V variant was not observed in approximately 6300 individuals of European and African American ancestry in the NHLBI Exome Sequencing Project, indicating it is not a common benign variant in these populations. Another missense mutation in a nearby residue (V711D) has been reported in association with cardiac valvular dystrophy, supporting the functional importance of this region of the protein. However, the A721V variant is a conservative amino acid substitution, which is not likely to impact secondary protein structure as these residues share similar properties. Although this substitution occurs at a position that is mostly conserved through mammals, V711 is present as the wild type in several species. In silico analysis is inconsistent in its predictions as to whether or not the variant is damaging to the protein structure/function. Therefore, based on the currently available information, it is unclear whether this variant is a pathogenic mutation or a rare benign variant. This variant was found in TAADV2-1

Eurofins Ntd Llc (ga)
Classification: Uncertain significance. Last evaluated: 2017-01-04. Review status: criteria provided, single submitter. Criteria: EGL Classification Definitions 2015. Collection method: clinical testing. Allele origin: germline. Observed: 1 variant allele, 1 heterozygote.

NM_001110556.2(FLNA):c.2162C>T (p.Ala721Val)

Gene: FLNA (filamin A; minus strand). Cytogenetic location: Xq28.
Variant type: single nucleotide variant.
Coding change: c.2162C>T on transcript NM_001110556.2 (MANE Select); coding-DNA position 2162, C replaced by T.
Protein change: p.Ala721Val; replaces alanine 721 with valine.
Molecular consequence: missense variant.
Genome position (GRCh38, 1-based): chrX:154,364,140, G>A on the plus strand (C>T on the coding strand, the complement: FLNA is on the minus strand). VCF-style: chrX-154364140-G-A. GRCh37 (hg19) VCF-style: chrX-153592508-G-A.
Other names: p.A721V:GCG>GTG; p.Ala721Val; c.2162C>T, p.Ala721Val (NM_001456.4); short protein forms A721V.
Identifiers: ClinVar variation 213464 (VCV000213464.17), dbSNP rs781840723, ClinGen allele CA324365.